The following is an entry in ClinVar:

NM_007375.4(TARDBP):c.1187G>A (p.Gly396Asp)

Gene: TARDBP (TAR DNA binding protein; plus strand). Cytogenetic location: 1p36.22.
Variant type: single nucleotide variant.
Coding change: c.1187G>A on transcript NM_007375.4 (MANE Select); coding-DNA position 1187, G replaced by A.
Protein change: p.Gly396Asp; replaces glycine 396 with aspartic acid.
Molecular consequence: missense variant.
Genome position (GRCh38, 1-based): chr1:11,022,596, G>A. VCF-style: chr1-11022596-G-A. GRCh37 (hg19) VCF-style: chr1-11082653-G-A.
Other names: short protein forms G396D.
Identifiers: ClinVar variation 1392100 (VCV001392100.8), dbSNP rs2100857132, ClinGen allele CA338368611.

ClinVar aggregate classification (germline): Uncertain significance (1 of 4 stars; one submission).

Conditions:
FRONTOTEMPORAL LOBAR DEGENERATION WITH TDP43 INCLUSIONS, TARDBP-RELATED. Also called: Frontotemporal lobar degeneration, TARDBP-related. Identifiers: MedGen C3150169, OMIM 612069.
Amyotrophic lateral sclerosis type 10 (ALS10). Also called: AMYOTROPHIC LATERAL SCLEROSIS 10 WITHOUT FRONTOTEMPORAL DEMENTIA AND WITH TDP43 INCLUSIONS; AMYOTROPHIC LATERAL SCLEROSIS 10 WITH OR WITHOUT FRONTOTEMPORAL DEMENTIA AND WITH TDP43 INCLUSIONS; AMYOTROPHIC LATERAL SCLEROSIS 10 WITH OR WITHOUT FRONTOTEMPORAL DEMENTIA; TARDBP-Related Amyotrophic Lateral Sclerosis-Frontotemporal Dementia; Amyotrophic lateral sclerosis 10, with or without FTD. Identifiers: Orphanet 275872, Orphanet 803, MedGen C2677565, MONDO:0012790, OMIM 612069.

Submission:

Labcorp Genetics (formerly Invitae), Labcorp
Classification: Uncertain significance for Amyotrophic lateral sclerosis type 10; FRONTOTEMPORAL LOBAR DEGENERATION WITH TDP43 INCLUSIONS, TARDBP-RELATED. Last evaluated: 2021-04-30. Review status: criteria provided, single submitter. Criteria: Invitae Variant Classification Sherloc (09022015). Collection method: clinical testing. Allele origin: germline.
Comment: In summary, the available evidence is currently insufficient to determine the role of this variant in disease. Therefore, it has been classified as a Variant of Uncertain Significance. Algorithms developed to predict the effect of missense changes on protein structure and function are either unavailable or do not agree on the potential impact of this missense change (SIFT: "Deleterious"; PolyPhen-2: "Benign"; Align-GVGD: "Class C15"). This variant has not been reported in the literature in individuals with TARDBP-related conditions. This variant is not present in population databases (ExAC no frequency). This sequence change replaces glycine with aspartic acid at codon 396 of the TARDBP protein (p.Gly396Asp). The glycine residue is highly conserved and there is a moderate physicochemical difference between glycine and aspartic acid.